The following is an entry in ClinVar:

ClinVar aggregate classification (germline): Uncertain significance (1 of 4 stars; one submission).

Conditions:
Familial adenomatous polyposis 1 (FAP1). Also called: FAMILIAL ADENOMATOUS POLYPOSIS 1, ATTENUATED; POLYPOSIS, ADENOMATOUS INTESTINAL. Identifiers: MedGen C2713442, MONDO:0021056, OMIM 175100. Disease mechanism: loss of function.

Submission:

Labcorp Genetics (formerly Invitae), Labcorp
Classification: Uncertain significance for Familial adenomatous polyposis 1. Last evaluated: 2023-07-28. Review status: criteria provided, single submitter. Criteria: Invitae Variant Classification Sherloc (09022015). Collection method: clinical testing. Allele origin: germline.
Comment: In summary, the available evidence is currently insufficient to determine the role of this variant in disease. Therefore, it has been classified as a Variant of Uncertain Significance. Experimental studies and prediction algorithms are not available or were not evaluated, and the functional significance of this variant is currently unknown. This variant has not been reported in the literature in individuals affected with APC-related conditions. This variant is not present in population databases (gnomAD no frequency). This variant occurs in a non-coding region of the APC gene. It does not change the encoded amino acid sequence of the APC protein.

NC_000005.10:g.112707368G>C

Gene: APC (APC regulator of Wnt signaling pathway; plus strand). Cytogenetic location: 5q22.2.
Variant type: single nucleotide variant.
Genome position: GRCh38 VCF-style: chr5-112707368-G-C. GRCh37 (hg19) VCF-style: chr5-112043065-G-C.
Identifiers: ClinVar variation 2044470 (VCV002044470.5), dbSNP rs1320184514, ClinGen allele CA2580072225.
Genomic context (GRCh38, chr5:112,707,368, plus strand): 5'-TGGGCTGCAGCACAATTCAGAGAAGGCCAGTAAGTGCTGCAACTGAGACTCGGCTGCCTA[G>C]GCAGCAATGGCTCACGGGACAGAACAGCGAAGCAGTGCCCGGCAAGCGGAGCGCAGCACC-3'